The following is an entry in ClinVar:

ClinVar aggregate classification (germline): Likely benign (0 of 4 stars; one submission).

Conditions:
CACNA2D1-related disorder. Also called: CACNA2D1-related condition.

Submissions (2):

PreventionGenetics, part of Exact Sciences
Classification: Likely benign for CACNA2D1-related condition. Last evaluated: 2023-05-23. Review status: no assertion criteria provided. Collection method: clinical testing. Allele origin: germline.
Comment: This variant is classified as likely benign based on ACMG/AMP sequence variant interpretation guidelines (Richards et al. 2015 PMID: 25741868, with internal and published modifications).

Dr. Peter K. Rogan Lab, Western University
No classification provided (evidence only). Condition: Lung cancer. Review status: no classification provided. Collection method: in vitro. Allele origin: not applicable. Functional consequence: retained intron. Not counted in ClinVar's aggregate classification.

NM_000722.4(CACNA2D1):c.1956-3C>T

Gene: CACNA2D1 (calcium voltage-gated channel auxiliary subunit alpha2delta 1; minus strand). Cytogenetic location: 7q21.11.
Variant type: single nucleotide variant.
Coding change: c.1956-3C>T on transcript NM_000722.4 (MANE Select); 3 bases into the intron before coding-DNA position 1956, C replaced by T.
Molecular consequence: intron variant.
Genome position (GRCh38, 1-based): chr7:81,974,555, G>A on the plus strand (C>T on the coding strand, the complement: CACNA2D1 is on the minus strand). VCF-style: chr7-81974555-G-A. GRCh37 (hg19) VCF-style: chr7-81603871-G-A.
Other names: NC_000007.13:g.81603871G>A; c.1992-3C>T (NM_001366867.1).
Identifiers: ClinVar variation 3049969 (VCV003049969.3), dbSNP rs368134438, ClinGen allele CA161125745.
Genomic context (GRCh38, chr7:81,974,555, plus strand): 5'-GAAATTTAAAAGAAATTCAGTGTTATTATCCGATATTTTCAGGTCATTGCAGTAATCTCT[G>A]AAAAAAAAACATTTTGAGATATTAGATATTAAAATCAAAACTTTACAGGGTAATTAAAGG-3'